The following is an entry in ClinVar:

ClinVar aggregate classification (germline): Benign/Likely benign. Review status: criteria provided, multiple submitters, no conflicts (2 of 4 stars). 4 submissions from 4 submitters: Benign (1); Likely benign (2). 1 of the submissions does not count toward it. Last evaluated 2025-07-31.

Conditions:
KAT6A-related disorder. Also called: KAT6A-related condition.

Allele frequency attached by ClinVar (database versions not stated): gnomAD 0.00001 and 0.00002; gnomAD exomes 0.00001 and 0.00002; TOPMed 0.00001.
gnomAD v4.1: 32 of 1,611,172 alleles (0.002%); highest among the groups gnomAD compares: Middle Eastern, 0.2%; 1 homozygote.

Submissions (4):

Labcorp Genetics (formerly Invitae), Labcorp
Classification: Benign. Last evaluated: 2025-07-31. Review status: criteria provided, single submitter. Criteria: Invitae Variant Classification Sherloc (09022015). Collection method: clinical testing. Allele origin: germline.

GeneDx
Classification: Likely benign. Last evaluated: 2021-05-12. Review status: criteria provided, single submitter. Criteria: GeneDx Variant Classification Process June 2021. Collection method: clinical testing. Allele origin: germline. Affected: yes.

Breakthrough Genomics
Classification: Likely benign. Review status: criteria provided, single submitter. Criteria: ACMG Guidelines, 2015. Collection method: not provided. Allele origin: germline. Inheritance: Autosomal dominant inheritance. Affected: yes.

PreventionGenetics, part of Exact Sciences
Classification: Likely benign for KAT6A-related condition. Last evaluated: 2024-06-24. Review status: no assertion criteria provided. Collection method: clinical testing. Allele origin: germline. Not counted in ClinVar's aggregate classification.
Comment: This variant is classified as likely benign based on ACMG/AMP sequence variant interpretation guidelines (Richards et al. 2015 PMID: 25741868, with internal and published modifications).

NM_006766.5(KAT6A):c.2505A>G (p.Pro835=)

Gene: KAT6A (lysine acetyltransferase 6A; minus strand). Cytogenetic location: 8p11.21.
Variant type: single nucleotide variant.
Coding change: c.2505A>G on transcript NM_006766.5 (MANE Select); coding-DNA position 2505, A replaced by G.
Protein change: p.Pro835=; no amino-acid change (proline 835 retained).
Molecular consequence: synonymous variant.
Genome position (GRCh38, 1-based): chr8:41,941,376, T>C on the plus strand (A>G on the coding strand, the complement: KAT6A is on the minus strand). VCF-style: chr8-41941376-T-C. GRCh37 (hg19) VCF-style: chr8-41798894-T-C.
Other names: c.2505A>G (NM_006766.4).
Identifiers: ClinVar variation 1321557 (VCV001321557.8), dbSNP rs539733080, ClinGen allele CA175944643.